The following is an entry in ClinVar:

NM_005076.5(CNTN2):c.1975A>G (p.Asn659Asp)

Gene: CNTN2 (contactin 2; plus strand). Cytogenetic location: 1q32.1.
Variant type: single nucleotide variant.
Coding change: c.1975A>G on transcript NM_005076.5 (MANE Select); coding-DNA position 1975, A replaced by G.
Protein change: p.Asn659Asp; replaces asparagine 659 with aspartic acid.
Molecular consequence: missense variant. On other transcripts: non-coding transcript variant (1).
Genome position (GRCh38, 1-based): chr1:205,066,599, A>G. VCF-style: chr1-205066599-A-G. GRCh37 (hg19) VCF-style: chr1-205035727-A-G.
Other names: c.1975A>G, p.Asn659Asp (NM_001346083.2); short protein forms N659D.
Identifiers: ClinVar variation 474472 (VCV000474472.30), dbSNP rs41264871, ClinGen allele CA1351540.

ClinVar aggregate classification (germline): Benign. Review status: criteria provided, multiple submitters, no conflicts (2 of 4 stars). 3 submissions from 3 submitters: Benign (3). Last evaluated 2026-02-03.

Conditions:
Epilepsy, familial adult myoclonic, 5 (EPEO5). Also called: CORTICAL MYOCLONIC TREMOR WITH EPILEPSY, FAMILIAL, 5. Identifiers: Orphanet 86814, MedGen C3809374, MONDO:0014167, OMIM 615400.

Allele frequency attached by ClinVar (database versions not stated): 1000 Genomes Project 0.00359; 1000 Genomes Project 30x 0.00422; TOPMed 0.00607; ESP Exome Variant Server 0.00630; gnomAD 0.00772 and 0.00788; ExAC 0.00790.
gnomAD v4.1: 16,457 of 1,613,766 alleles (1%); highest among the groups gnomAD compares: Non-Finnish European, 1.2%; 121 homozygotes.

Submissions (3):

Labcorp Genetics (formerly Invitae), Labcorp
Classification: Benign for Epilepsy, familial adult myoclonic, 5. Last evaluated: 2026-02-03. Review status: criteria provided, single submitter. Criteria: Invitae Variant Classification Sherloc (09022015). Collection method: clinical testing. Allele origin: germline.

CeGaT Center for Human Genetics Tuebingen
Classification: Benign. Last evaluated: 2025-09-01. Review status: criteria provided, single submitter. Criteria: CeGaT Center For Human Genetics Tuebingen Variant Classification Criteria Version 2. Collection method: clinical testing. Allele origin: germline. Affected: yes. Observed: 2 variant alleles.
Comment: CNTN2: PP2, BS1, BS2

Fulgent Genetics
Classification: Benign for Epilepsy, familial adult myoclonic, 5. Last evaluated: 2021-08-23. Review status: criteria provided, single submitter. Criteria: ACMG Guidelines, 2015. Collection method: clinical testing. Allele origin: unknown.